The following is an entry in ClinVar:

ClinVar aggregate classification (germline): Pathogenic. Review status: criteria provided, multiple submitters, no conflicts (2 of 4 stars). 8 submissions from 8 submitters: Pathogenic (7). 1 of the submissions does not count toward it. Last evaluated 2024-12-16.

Conditions:
Retinitis pigmentosa 25 (RP25). Identifiers: Orphanet 791, MedGen C1864446, MONDO:0011272, OMIM 602772.

Allele frequency attached by ClinVar (database versions not stated): gnomAD exomes below 0.00001; gnomAD 0.00001.
gnomAD v4.1: 3 of 1,542,610 alleles (0.00019%); highest among the groups gnomAD compares: Admixed American, 0.002%; no homozygotes.

Submissions (8):

Labcorp Genetics (formerly Invitae), Labcorp
Classification: Pathogenic. Last evaluated: 2024-12-16. Review status: criteria provided, single submitter. Criteria: Invitae Variant Classification Sherloc (09022015). Collection method: clinical testing. Allele origin: germline.
Comment: This sequence change creates a premature translational stop signal (p.Glu1953*) in the EYS gene. It is expected to result in an absent or disrupted protein product. Loss-of-function variants in EYS are known to be pathogenic (PMID: 18836446, 20333770). This variant is not present in population databases (gnomAD no frequency). This premature translational stop signal has been observed in individual(s) with retinitis pigmentosa (PMID: 18836446). ClinVar contains an entry for this variant (Variation ID: 537). Algorithms developed to predict the effect of sequence changes on RNA splicing suggest that this variant may disrupt the consensus splice site. For these reasons, this variant has been classified as Pathogenic.

Fulgent Genetics
Classification: Pathogenic for Retinitis pigmentosa 25. Last evaluated: 2024-05-31. Review status: criteria provided, single submitter. Criteria: ACMG Guidelines, 2015. Collection method: clinical testing. Allele origin: germline.

Myriad Genetics, Inc.
Classification: Pathogenic for Retinitis pigmentosa 25. Last evaluated: 2024-05-06. Review status: criteria provided, single submitter. Criteria: Myriad Autosomal Dominant, Autosomal Recessive and X-Linked Classification Criteria (2023). Collection method: clinical testing. Allele origin: unknown.
Comment: NM_001142800.1(EYS):c.5857G>T(E1953*) is expected to be pathogenic in the context of retinitis pigmentosa, EYS-related. This variant is predicted to lead to an abnormal or absent protein product due to the creation of a premature termination codon in EYS, a gene where loss-of-function variants are known to be pathogenic. Please note: this variant was assessed in the context of healthy population screening.

Natera, Inc.
Classification: Pathogenic for Retinitis pigmentosa type 25. Last evaluated: 2024-03-13. Review status: criteria provided, single submitter. Criteria: Natera Variant Classification Schema (03/2026). Collection method: clinical testing. Allele origin: germline.
Comment: The c.5857G>T variant in EYS is a nonsense variant predicted to introduce a stop codon at amino acid 1953. This variant is expected to result in nonsense mediated decay, truncation, or a dysfunctional protein product. This variant is rare in the general population with a frequency below the threshold expected for the associated phenotype(s). This variant has been observed in one or more individuals affected with the associated recessive disease, as either homozygous or compound heterozygous with a second variant (PMID: 30902645). Given the available evidence, this variant is classified as Pathogenic.

Institute of Medical Genetics and Applied Genomics, University Hospital Tübingen
Classification: Pathogenic for Retinitis pigmentosa 25. Last evaluated: 2024-02-15. Review status: criteria provided, single submitter. Criteria: ACMG Guidelines, 2015. Collection method: clinical testing. Allele origin: germline. Inheritance: Autosomal recessive inheritance. Affected: yes.

Mendelics
Classification: Pathogenic for Retinitis pigmentosa 25. Last evaluated: 2022-05-04. Review status: criteria provided, single submitter. Criteria: Mendelics Assertion Criteria 2019. Collection method: clinical testing. Allele origin: germline.

Baylor Genetics
Classification: Pathogenic for Retinitis pigmentosa 25. Last evaluated: 2021-12-22. Review status: criteria provided, single submitter. Criteria: ACMG Guidelines, 2015. Collection method: clinical testing. Allele origin: unknown.

OMIM
Classification: Pathogenic for RETINITIS PIGMENTOSA 25. Last evaluated: 2008-11-01. Review status: no assertion criteria provided. Collection method: literature only. Allele origin: germline. Not counted in ClinVar's aggregate classification.

Literature cited by the submitters: PubMed 18836446 (cited by Labcorp Genetics (formerly Invitae), Labcorp and OMIM); PubMed 20333770 (cited by Labcorp Genetics (formerly Invitae), Labcorp); PubMed 30902645 (cited by Natera, Inc.).

NM_001142800.2(EYS):c.5857G>T (p.Glu1953Ter)

Gene: EYS (EGF-like photoreceptor maintenance factor; minus strand). Cytogenetic location: 6q12.
Variant type: single nucleotide variant.
Coding change: c.5857G>T on transcript NM_001142800.2 (MANE Select); coding-DNA position 5857, G replaced by T.
Protein change: p.Glu1953Ter; replaces glutamic acid 1953 with a stop codon.
Molecular consequence: nonsense.
Genome position (GRCh38, 1-based): chr6:64,436,244, C>A on the plus strand (G>T on the coding strand, the complement: EYS is on the minus strand). VCF-style: chr6-64436244-C-A. GRCh37 (hg19) VCF-style: chr6-65146137-C-A.
Other names: c.5857G>T (NM_001142800.1); c.5857G>T, p.Glu1953Ter (NM_001292009.2); short protein forms E1953*.
Identifiers: ClinVar variation 537 (VCV000000537.13), dbSNP rs137853189, ClinGen allele CA251491.